The following is an entry in ClinVar:

NM_144587.5(BTBD16):c.82C>T (p.Pro28Ser)

Gene: BTBD16 (BTB domain containing 16; plus strand). Cytogenetic location: 10q26.13.
Variant type: single nucleotide variant.
Coding change: c.82C>T on transcript NM_144587.5 (MANE Select); coding-DNA position 82, C replaced by T.
Protein change: p.Pro28Ser; replaces proline 28 with serine.
Molecular consequence: missense variant.
Genome position (GRCh38, 1-based): chr10:122,276,854, C>T. VCF-style: chr10-122276854-C-T. GRCh37 (hg19) VCF-style: chr10-124036369-C-T.
Other names: c.85C>T, p.Pro29Ser (NM_001318189.3); short protein forms P28S, P29S.
Identifiers: ClinVar variation 161806 (VCV000161806.2), dbSNP rs193920863, ClinGen allele CA174820.

ClinVar aggregate classification (germline): Uncertain significance (0 of 4 stars; one submission).

Conditions:
Prostate cancer. Also called: Malignant tumor of prostate. Identifiers: Orphanet 1331, MedGen C0376358, MONDO:0008315, HP:0012125.

Allele frequency attached by ClinVar (database versions not stated): gnomAD exomes below 0.00001.
gnomAD v4.1: 1 of 1,614,234 alleles (0.000062%); highest among the groups gnomAD compares: Non-Finnish European, 0.000085%; no homozygotes.

Submission:

Science for Life laboratory,  Karolinska Institutet
Classification: Uncertain significance for Malignant tumor of prostate. Review status: no assertion criteria provided. Collection method: not provided. Allele origin: somatic.
Comment: TumorID:SWE-16
ClinVar note: Converted during submission from Unknown to Uncertain significance.